The following is an entry in ClinVar:

NC_000002.11:g.(?_48035257)_(48132859_?)dup

Gene: FBXO11 (F-box protein 11; minus strand). Cytogenetic location: 2p16.3.
Variant type: Duplication.
Identifiers: ClinVar variation 1471795 (VCV001471795.3).

ClinVar aggregate classification (germline): Uncertain significance (1 of 4 stars; one submission).

Submission:

Labcorp Genetics (formerly Invitae), Labcorp
Classification: Uncertain significance. Last evaluated: 2021-10-05. Review status: criteria provided, single submitter. Criteria: Invitae Variant Classification Sherloc (09022015). Collection method: clinical testing. Allele origin: germline.
Comment: A copy number gain of the genomic region encompassing the full coding sequence of the FBXO11 gene has been identified. The boundaries of this event are unknown as they extend beyond the assayed region for this gene and therefore may encompass additional genes. As the precise location of this event is unknown, it may be in tandem or it may be located elsewhere in the genome. This variant has not been reported in the literature in individuals affected with FBXO11-related conditions. Experimental studies and prediction algorithms are not available or were not evaluated, and the functional significance of this variant is currently unknown. In summary, the available evidence is currently insufficient to determine the role of this variant in disease. Therefore, it has been classified as a Variant of Uncertain Significance.